The following is an entry in ClinVar:

ClinVar aggregate classification (germline): Likely benign. Review status: criteria provided, multiple submitters, no conflicts (2 of 4 stars). 6 submissions from 6 submitters: Likely benign (5). 1 of the submissions does not count toward it. Last evaluated 2026-01-29.

Conditions:
MCPH1-related disorder. Also called: MCPH1-related condition.

Allele frequency attached by ClinVar (database versions not stated): 1000 Genomes Project 0.00200; ESP Exome Variant Server 0.00229; TOPMed 0.00231; 1000 Genomes Project 30x 0.00250.
gnomAD v4.1: 648 of 1,609,642 alleles (0.04%); highest among the groups gnomAD compares: African/African-American, 0.8%; 6 homozygotes.

Submissions (6):

Labcorp Genetics (formerly Invitae), Labcorp
Classification: Likely benign. Last evaluated: 2026-01-29. Review status: criteria provided, single submitter. Criteria: Invitae Variant Classification Sherloc (09022015). Collection method: clinical testing. Allele origin: germline.

GeneDx
Classification: Likely benign. Last evaluated: 2018-05-04. Review status: criteria provided, single submitter. Criteria: GeneDx Variant Classification (06012015). Collection method: clinical testing. Allele origin: germline. Affected: yes.
Comment: This variant is considered likely benign or benign based on one or more of the following criteria: it is a conservative change, it occurs at a poorly conserved position in the protein, it is predicted to be benign by multiple in silico algorithms, and/or has population frequency not consistent with disease.

Genetic Services Laboratory, University of Chicago
Classification: Likely benign. Last evaluated: 2018-03-09. Review status: criteria provided, single submitter. Criteria: ACMG Guidelines, 2015. Collection method: clinical testing. Allele origin: germline. Affected: no.

Eurofins Ntd Llc (ga)
Classification: Likely benign. Last evaluated: 2016-08-31. Review status: criteria provided, single submitter. Criteria: EGL Classification Definitions 2015. Collection method: clinical testing. Allele origin: germline. Observed: 1 variant allele, 1 heterozygote.

Breakthrough Genomics
Classification: Likely benign. Review status: criteria provided, single submitter. Criteria: ACMG Guidelines, 2015. Collection method: not provided. Allele origin: germline. Inheritance: Autosomal recessive inheritance. Affected: yes.

PreventionGenetics, part of Exact Sciences
Classification: Likely benign for MCPH1-related condition. Last evaluated: 2019-04-26. Review status: no assertion criteria provided. Collection method: clinical testing. Allele origin: germline. Not counted in ClinVar's aggregate classification.
Comment: This variant is classified as likely benign based on ACMG/AMP sequence variant interpretation guidelines (Richards et al. 2015 PMID: 25741868, with internal and published modifications).

NM_024596.5(MCPH1):c.305G>C (p.Ser102Thr)

Gene: MCPH1 (microcephalin 1; plus strand). Cytogenetic location: 8p23.1.
Variant type: single nucleotide variant.
Coding change: c.305G>C on transcript NM_024596.5 (MANE Select); coding-DNA position 305, G replaced by C.
Protein change: p.Ser102Thr; replaces serine 102 with threonine.
Molecular consequence: missense variant. On other transcripts: non-coding transcript variant (1).
Genome position (GRCh38, 1-based): chr8:6,431,570, G>C. VCF-style: chr8-6431570-G-C. GRCh37 (hg19) VCF-style: chr8-6289091-G-C.
Other names: c.305G>C, p.Ser102Thr (NM_001172574.2, NM_001172575.2, NM_001322042.2 and 2 more transcripts); c.299G>C, p.Ser100Thr (NM_001322043.2); c.203G>C, p.Ser68Thr (NM_001322045.2); c.305G>C (NM_001322042.1); short protein forms S102T, S100T, S68T.
Identifiers: ClinVar variation 158868 (VCV000158868.24), dbSNP rs2290145, ClinGen allele CA271713.
Genomic context (GRCh38, chr8:6,431,570, plus strand): 5'-CTGGAGCACACATTGATGAATCATTGTTCCCTGCAGCTAATATGAATGAACACTTATCAA[G>C]CCTAATTAAAAAAAAAGTAAGTACATGATTTCAATGTAGATAATGGCAATTAGGAATTTA-3'
Protein context (NP_078872.3, residues 92-112): PAANMNEHLS[Ser102Thr]LIKKKRKCMQ